The following is an entry in ClinVar:

NM_001386298.1(CIC):c.4253del (p.Pro1418fs)

Gene: CIC (capicua transcriptional repressor; plus strand). Cytogenetic location: 19q13.2.
Variant type: Deletion.
Coding change: c.4253del on transcript NM_001386298.1 (MANE Select); coding-DNA position 4253, one base deleted (C; older notation c.4253delC).
Protein change: p.Pro1418fs; shifts the reading frame from proline 1418.
Molecular consequence: frameshift variant.
Genome position (GRCh38, 1-based): chr19:42,290,294, C deleted; the last of 6 consecutive C bases (chr19:42,290,289-42,290,294); deleting any one gives the same sequence. VCF-style (leftmost placement, unchanged base first): chr19-42290288-GC-G. GRCh37 (hg19) VCF-style: chr19-42794440-GC-G.
Other names: c.4253del, p.Pro1418fs (NM_001304815.2, NM_001379480.1, NM_001379482.1); c.1526del, p.Pro509fs (NM_001379484.1, NM_001379485.1, NM_015125.5); short protein forms P1418fs, P509fs.
Identifiers: ClinVar variation 3368069 (VCV003368069.1).
Genomic context (GRCh38, chr19:42,290,288, plus strand): 5'-TGCAGGGCTTTGGTCGGAAGGTGTTTTCACCTGTGATCCGTTCCTCCTTTACCCACTGCC[GC>G]CCCCCACTGGACCCTGAGCCCCCAGGGCCCCCGGATCCTCCTGTAGCCTTTGGCAAAGGC-3'

ClinVar aggregate classification (germline): Likely pathogenic (1 of 4 stars; one submission).

Submission:

GeneDx
Classification: Likely pathogenic. Last evaluated: 2024-01-24. Review status: criteria provided, single submitter. Criteria: GeneDx Variant Classification Process June 2021. Collection method: clinical testing. Allele origin: germline. Affected: yes.
Comment: Reported in several individuals with autism; however, proband specific clinical information and segregation is not provided (PMID: 34312540); Frameshift variant predicted to result in protein truncation or nonsense mediated decay in a gene for which loss of function is a known mechanism of disease; Not observed at significant frequency in large population cohorts (gnomAD); This variant is associated with the following publications: (PMID: 34312540)